The following is an entry in ClinVar:

NM_138636.5(TLR8):c.1A>G (p.Met1Val)

Genes: TLR8 (toll like receptor 8; plus strand), TLR8-AS1 (TLR8 antisense RNA 1; minus strand). Cytogenetic location: Xp22.2.
Variant type: single nucleotide variant.
Coding change: c.1A>G on transcript NM_138636.5 (MANE Select); coding-DNA position 1, A replaced by G.
Protein change: p.Met1Val; changes the start codon (methionine 1).
Molecular consequence: missense variant, initiator codon variant. On other transcripts: 5 prime UTR variant (1).
Genome position (GRCh38, 1-based): chrX:12,906,707, A>G. VCF-style: chrX-12906707-A-G. GRCh37 (hg19) VCF-style: chrX-12924826-A-G.
Other names: c.-83A>G (NM_016610.4); short protein forms M1V.
Identifiers: ClinVar variation 2688133 (VCV002688133.2), dbSNP rs3764880, ClinGen allele CA10350147.

ClinVar aggregate classification (germline): Benign (1 of 4 stars; one submission).

Allele frequency attached by ClinVar (database versions not stated): ESP Exome Variant Server 0.25343; gnomAD exomes 0.27904; gnomAD 0.30350; TOPMed 0.32907; ExAC 0.35794; 1000 Genomes Project 30x 0.45161; 1000 Genomes Project 0.46384.

Submission:

Unidad de Genómica Garrahan, Hospital de Pediatría Garrahan
Classification: Benign. Last evaluated: 2024-01-24. Review status: criteria provided, single submitter. Criteria: ACMG Guidelines, 2015. Collection method: clinical testing. Allele origin: germline. Affected: no. Observed: 46 variant alleles.
Comment: This variant is classified as Benign based on local population frequency. This variant was detected in 48% of patients studied by a panel of primary immunodeficiencies. Number of patients: 46. Only high quality variants are reported.